The following is an entry in ClinVar:

NM_021939.4(FKBP10):c.473T>C (p.Val158Ala)

Gene: FKBP10 (FKBP prolyl isomerase 10; plus strand). Cytogenetic location: 17q21.2.
Variant type: single nucleotide variant.
Coding change: c.473T>C on transcript NM_021939.4 (MANE Select); coding-DNA position 473, T replaced by C.
Protein change: p.Val158Ala; replaces valine 158 with alanine.
Molecular consequence: missense variant.
Genome position (GRCh38, 1-based): chr17:41,818,170, T>C. VCF-style: chr17-41818170-T-C. GRCh37 (hg19) VCF-style: chr17-39974422-T-C.
Other names: short protein forms V158A.
Identifiers: ClinVar variation 323181 (VCV000323181.14), dbSNP rs781874365, ClinGen allele CA8566253.

ClinVar aggregate classification (germline): Uncertain significance. Review status: criteria provided, multiple submitters, no conflicts (2 of 4 stars). 6 submissions from 6 submitters: Uncertain significance (6). Last evaluated 2025-07-02.

Conditions:
Inborn genetic diseases. Identifiers: MedGen C0950123, MeSH D030342.
Osteogenesis imperfecta type 11. Also called: OI, TYPE XI; Osteogenesis imperfecta, type XI. Identifiers: Orphanet 666, MedGen C3151218, MONDO:0012592, OMIM 610968.

Allele frequency attached by ClinVar (database versions not stated): TOPMed 0.00007; gnomAD 0.00009; gnomAD exomes 0.00010 and 0.00013; ExAC 0.00014.
gnomAD v4.1: 156 of 1,613,698 alleles (0.0097%); highest among the groups gnomAD compares: Middle Eastern, 0.033%; no homozygotes.

Submissions (6):

GeneDx
Classification: Uncertain significance. Last evaluated: 2025-07-02. Review status: criteria provided, single submitter. Criteria: GeneDx Variant Classification Process June 2021. Collection method: clinical testing. Allele origin: germline. Affected: yes.
Comment: In silico analysis suggests that this missense variant does not alter protein structure/function; Has not been previously published as pathogenic or benign to our knowledge

Ambry Genetics
Classification: Uncertain significance for Inborn genetic diseases. Last evaluated: 2024-04-09. Review status: criteria provided, single submitter. Criteria: Ambry Variant Classification Scheme 2023. Collection method: clinical testing. Allele origin: germline.

ARUP Laboratories, Molecular Genetics and Genomics, ARUP Laboratories
Classification: Uncertain significance. Last evaluated: 2023-09-17. Review status: criteria provided, single submitter. Criteria: ARUP Molecular Germline Variant Investigation Process 2024. Collection method: clinical testing. Allele origin: germline.
Comment: The FKBP10 c.473T>C; p.Val158Ala variant (rs781874365), to our knowledge, is not reported in the medical literature but is reported in ClinVar (Variation ID: 323181). This variant is found in the general population with an overall allele frequency of 0.012% (34/282132 alleles) in the Genome Aggregation Database. Computational analyses are uncertain whether this variant is neutral or deleterious (REVEL: 0.160). Due to limited information, the clinical significance of this variant is uncertain at this time.

Labcorp Genetics (formerly Invitae), Labcorp
Classification: Uncertain significance. Last evaluated: 2022-07-14. Review status: criteria provided, single submitter. Criteria: Invitae Variant Classification Sherloc (09022015). Collection method: clinical testing. Allele origin: germline.
Comment: This sequence change replaces valine, which is neutral and non-polar, with alanine, which is neutral and non-polar, at codon 158 of the FKBP10 protein (p.Val158Ala). This variant is present in population databases (rs781874365, gnomAD 0.05%). This variant has not been reported in the literature in individuals affected with FKBP10-related conditions. ClinVar contains an entry for this variant (Variation ID: 323181). Algorithms developed to predict the effect of missense changes on protein structure and function (SIFT, PolyPhen-2, Align-GVGD) all suggest that this variant is likely to be tolerated. Algorithms developed to predict the effect of sequence changes on RNA splicing suggest that this variant may disrupt the consensus splice site. In summary, the available evidence is currently insufficient to determine the role of this variant in disease. Therefore, it has been classified as a Variant of Uncertain Significance.

Illumina Laboratory Services, Illumina
Classification: Uncertain significance for Osteogenesis imperfecta type 11. Last evaluated: 2018-01-13. Review status: criteria provided, single submitter. Criteria: ICSL Variant Classification Criteria 13 December 2019. Collection method: clinical testing. Allele origin: germline.

Eurofins Ntd Llc (ga)
Classification: Uncertain significance. Last evaluated: 2017-06-23. Review status: criteria provided, single submitter. Criteria: EGL Classification Definitions 2015. Collection method: clinical testing. Allele origin: germline. Observed: 1 variant allele, 1 heterozygote.